The following is an entry in ClinVar:

ClinVar aggregate classification (germline): Pathogenic/Likely pathogenic. Review status: criteria provided, multiple submitters, no conflicts (2 of 4 stars). 2 submissions from 2 submitters: Pathogenic (1); Likely pathogenic (1). Last evaluated 2022-07-22.

Conditions:
Long QT syndrome (LQTS). Identifiers: MedGen C0023976, MeSH D008133, MONDO:0002442. Disease mechanism: loss of function. Inheritance: Various modes of inheritance.

Submissions (2):

Labcorp Genetics (formerly Invitae), Labcorp
Classification: Pathogenic for Long QT syndrome. Last evaluated: 2022-07-22. Review status: criteria provided, single submitter. Criteria: Invitae Variant Classification Sherloc (09022015). Collection method: clinical testing. Allele origin: germline.
Comment: This sequence change creates a premature translational stop signal (p.Phe232Alafs*6) in the KCNQ1 gene. It is expected to result in an absent or disrupted protein product. Loss-of-function variants in KCNQ1 are known to be pathogenic (PMID: 9323054, 19862833). This variant is not present in population databases (gnomAD no frequency). This variant has not been reported in the literature in individuals affected with KCNQ1-related conditions. ClinVar contains an entry for this variant (Variation ID: 817280). For these reasons, this variant has been classified as Pathogenic.

GeneDx
Classification: Likely pathogenic. Last evaluated: 2018-10-18. Review status: criteria provided, single submitter. Criteria: GeneDx Variant Classification (06012015). Collection method: clinical testing. Allele origin: germline. Affected: yes.
Comment: Although the c.692_693dupGC likely pathogenic variant in the KCNQ1 gene has not been reported to our knowledge, this variant causes a shift in reading frame starting at codon phenylalanine 232, changing it to an alanine, and creating a premature stop codon at position 6 of the new reading frame, denoted p.Phe232AlafsX6. This likely pathogenic variant is expected to result in either an abnormal, truncated protein product or loss of protein from this allele through nonsense-mediated mRNA decay. Other frameshift variants in the KCNQ1 gene have been reported in Human Gene Mutation Database in association with KCNQ1-related disorders (Stenson et al., 2014), indicating that loss of function is a mechanism of disease for this gene. Furthermore, the c.692_693dupGC variant has not been observed in large population cohorts (Lek et al., 2016). In summary, c.692_693dupGC in the KCNQ1 gene is interpreted as a likely pathogenic variant.

Literature cited by the submitters: PubMed 9323054 (cited by Labcorp Genetics (formerly Invitae), Labcorp); PubMed 19862833 (cited by Labcorp Genetics (formerly Invitae), Labcorp).

NM_000218.3(KCNQ1):c.692_693dup (p.Phe232fs)

Gene: KCNQ1 (potassium voltage-gated channel subfamily Q member 1; plus strand). Cytogenetic location: 11p15.5.
Variant type: Duplication.
Coding change: c.692_693dup on transcript NM_000218.3 (MANE Select); coding-DNA positions 692 to 693, 2 bases duplicated (GC; older notation c.692_693dupGC).
Protein change: p.Phe232fs; shifts the reading frame from phenylalanine 232.
Molecular consequence: frameshift variant.
Genome position (GRCh38, 1-based): chr11:2,572,021-2,572,022, GC duplicated; duplicating any 2 consecutive bases within chr11:2,572,020-2,572,022 gives the same sequence; the c. name uses the placement nearest the transcript's 3' end. VCF-style (leftmost placement, unchanged base first): chr11-2572019-C-CCG. GRCh37 (hg19) VCF-style: chr11-2593249-C-CCG.
Other names: c.692_693dupGC (NM_000218.2); c.692_693dup, p.Phe232Alafs (NM_001406836.1); c.422_423dup, p.Phe142Alafs (NM_001406837.1); c.311_312dup, p.Phe105Alafs (NM_181798.2); short protein forms F232fs, F105fs.
Identifiers: ClinVar variation 817280 (VCV000817280.8), dbSNP rs1589957697, ClinGen allele CA915947935.